The following is an entry in ClinVar:

NM_001080517.3(SETD5):c.1483G>T (p.Glu495Ter)

Gene: SETD5 (SET domain containing 5; plus strand). Cytogenetic location: 3p25.3.
Variant type: single nucleotide variant.
Coding change: c.1483G>T on transcript NM_001080517.3 (MANE Select); coding-DNA position 1483, G replaced by T.
Protein change: p.Glu495Ter; replaces glutamic acid 495 with a stop codon.
Molecular consequence: nonsense.
Genome position (GRCh38, 1-based): chr3:9,445,699, G>T. VCF-style: chr3-9445699-G-T. GRCh37 (hg19) VCF-style: chr3-9487383-G-T.
Other names: c.1189G>T, p.Glu397Ter (NM_001292043.2, NM_001349451.2); short protein forms E397*, E495*.
Identifiers: ClinVar variation 2505853 (VCV002505853.1), dbSNP rs2041854606, ClinGen allele CA351694118.

ClinVar aggregate classification (germline): Pathogenic (1 of 4 stars; one submission).

Submission:

GeneDx
Classification: Pathogenic. Last evaluated: 2022-12-15. Review status: criteria provided, single submitter. Criteria: GeneDx Variant Classification Process June 2021. Collection method: clinical testing. Allele origin: germline. Affected: yes.
Comment: Nonsense variant predicted to result in protein truncation or nonsense mediated decay in a gene for which loss of function is a known mechanism of disease; Not observed at significant frequency in large population cohorts (gnomAD); Has not been previously published as pathogenic or benign to our knowledge